The following is an entry in ClinVar:

NM_001148.6(ANK2):c.2128G>A (p.Val710Ile)

Gene: ANK2 (ankyrin 2; plus strand). Cytogenetic location: 4q26.
Variant type: single nucleotide variant.
Coding change: c.2128G>A on transcript NM_001148.6 (MANE Select); coding-DNA position 2128, G replaced by A.
Protein change: p.Val710Ile; replaces valine 710 with isoleucine.
Molecular consequence: missense variant.
Genome position (GRCh38, 1-based): chr4:113,287,653, G>A. VCF-style: chr4-113287653-G-A. GRCh37 (hg19) VCF-style: chr4-114208809-G-A.
Other names: c.2065G>A, p.Val689Ile (NM_001127493.3, NM_001354239.2, NM_001354243.2 and 10 more transcripts); c.2128G>A, p.Val710Ile (NM_001354225.2, NM_001354228.2, NM_001354232.2 and 6 more transcripts); c.2173G>A, p.Val725Ile (NM_001354230.2, NM_001354231.2, NM_001354237.2 and 5 more transcripts); c.2029G>A, p.Val677Ile (NM_001354245.2, NM_001354268.2); c.2041G>A, p.Val681Ile (NM_001354249.2, NM_001354274.2, NM_001354276.2 and 10 more transcripts); c.1966G>A, p.Val656Ile (NM_001354253.2, NM_001354257.2, NM_001386156.1 and 1 more transcripts); c.1942G>A, p.Val648Ile (NM_001354271.2, NM_001354260.2, NM_001386151.1); c.1930G>A, p.Val644Ile (NM_001354273.2); and 8 more; short protein forms V656I, V677I, V725I, V681I, V689I, V648I, V696I, V615I.
Identifiers: ClinVar variation 901216 (VCV000901216.8), dbSNP rs779008591, ClinGen allele CA3050458.

ClinVar aggregate classification (germline): Uncertain significance. Review status: criteria provided, multiple submitters, no conflicts (2 of 4 stars). 2 submissions from 2 submitters: Uncertain significance (2). Last evaluated 2022-10-13.

Conditions:
Long QT syndrome (LQTS). Identifiers: MedGen C0023976, MeSH D008133, MONDO:0002442. Disease mechanism: loss of function. Inheritance: Various modes of inheritance.
Cardiac arrhythmia, ankyrin-B-related. Also called: ANKYRIN-B SYNDROME. Identifiers: Orphanet 101016, Orphanet 768, MedGen C1970119, MONDO:0010958, OMIM 600919.

Allele frequency attached by ClinVar (database versions not stated): gnomAD exomes below 0.00001 and 0.00001; ExAC 0.00002; TOPMed 0.00001.
gnomAD v4.1: 2 of 1,613,614 alleles (0.00012%); highest among the groups gnomAD compares: Admixed American, 0.0017%; no homozygotes.

Submissions (2):

Labcorp Genetics (formerly Invitae), Labcorp
Classification: Uncertain significance for Long QT syndrome. Last evaluated: 2022-10-13. Review status: criteria provided, single submitter. Criteria: Invitae Variant Classification Sherloc (09022015). Collection method: clinical testing. Allele origin: germline.
Comment: In summary, the available evidence is currently insufficient to determine the role of this variant in disease. Therefore, it has been classified as a Variant of Uncertain Significance. Advanced modeling of protein sequence and biophysical properties (such as structural, functional, and spatial information, amino acid conservation, physicochemical variation, residue mobility, and thermodynamic stability) performed at Invitae indicates that this missense variant is not expected to disrupt ANK2 protein function. This sequence change replaces valine, which is neutral and non-polar, with isoleucine, which is neutral and non-polar, at codon 710 of the ANK2 protein (p.Val710Ile). This variant is present in population databases (rs779008591, gnomAD 0.003%). This variant has not been reported in the literature in individuals affected with ANK2-related conditions. ClinVar contains an entry for this variant (Variation ID: 901216).

Illumina Laboratory Services, Illumina
Classification: Uncertain significance for Cardiac arrhythmia, ankyrin-B-related. Last evaluated: 2018-01-12. Review status: criteria provided, single submitter. Criteria: ICSL Variant Classification Criteria 13 December 2019. Collection method: clinical testing. Allele origin: germline.